The following is an entry in ClinVar:

NM_138694.4(PKHD1):c.2463C>G (p.Ala821=)

Gene: PKHD1 (PKHD1 ciliary IPT domain containing fibrocystin/polyductin; minus strand). Cytogenetic location: 6p12.2.
Variant type: single nucleotide variant.
Coding change: c.2463C>G on transcript NM_138694.4 (MANE Select); coding-DNA position 2463, C replaced by G.
Protein change: p.Ala821=; no amino-acid change (alanine 821 retained).
Molecular consequence: synonymous variant.
Genome position (GRCh38, 1-based): chr6:52,046,133, G>C on the plus strand (C>G on the coding strand, the complement: PKHD1 is on the minus strand). VCF-style: chr6-52046133-G-C. GRCh37 (hg19) VCF-style: chr6-51910931-G-C.
Other names: p.Ala821=; c.2463C>G, p.Ala821= (NM_170724.3).
Identifiers: ClinVar variation 357443 (VCV000357443.26), dbSNP rs9474136, ClinGen allele CA3853201.

ClinVar aggregate classification (germline): Conflicting classifications of pathogenicity. Review status: criteria provided, conflicting classifications (1 of 4 stars). 7 submissions from 7 submitters: Uncertain significance (1); Benign (1); Likely benign (4). 1 of the submissions does not count toward it. Last evaluated 2026-01-31.

Conditions:
Autosomal recessive polycystic kidney disease (ARPKD). Also called: AR polycystic kidney disease. Identifiers: Orphanet 731, Orphanet 8378, MedGen C0085548, MeSH D017044, MONDO:0009889.

Allele frequency attached by ClinVar (database versions not stated): 1000 Genomes Project 0.00339; TOPMed 0.00354; 1000 Genomes Project 30x 0.00437; ESP Exome Variant Server 0.00438.
gnomAD v4.1: 999 of 1,613,414 alleles (0.062%); highest among the groups gnomAD compares: African/African-American, 1.1%; 5 homozygotes.

Submissions (7):

Labcorp Genetics (formerly Invitae), Labcorp
Classification: Benign for Autosomal recessive polycystic kidney disease. Last evaluated: 2026-01-31. Review status: criteria provided, single submitter. Criteria: Invitae Variant Classification Sherloc (09022015). Collection method: clinical testing. Allele origin: germline.

Mayo Clinic Laboratories, Mayo Clinic
Classification: Likely benign. Last evaluated: 2025-12-13. Review status: criteria provided, single submitter. Criteria: ACMG Guidelines, 2015. Collection method: clinical testing. Allele origin: germline. Observed: 1 variant allele.
Comment: BS1, BP4, BP7

Blueprint Genetics
Classification: Likely benign. Last evaluated: 2024-07-19. Review status: criteria provided, single submitter. Criteria: ACMG Guidelines, 2015. Collection method: clinical testing. Allele origin: germline.

Women's Health and Genetics/Laboratory Corporation of America, LabCorp
Classification: Likely benign. Last evaluated: 2022-12-16. Review status: criteria provided, single submitter. Criteria: LabCorp Variant Classification Summary - May 2015. Collection method: clinical testing. Allele origin: germline.

GeneDx
Classification: Likely benign. Last evaluated: 2020-05-18. Review status: criteria provided, single submitter. Criteria: GeneDx Variant Classification Process June 2021. Collection method: clinical testing. Allele origin: germline. Affected: yes.

Illumina Laboratory Services, Illumina
Classification: Uncertain significance for Polycystic kidney disease 4. Last evaluated: 2018-01-13. Review status: criteria provided, single submitter. Criteria: ICSL Variant Classification Criteria 13 December 2019. Collection method: clinical testing. Allele origin: germline.

Natera, Inc.
Classification: Likely benign for Autosomal recessive polycystic kidney disease. Last evaluated: 2017-06-13. Review status: no assertion criteria provided. Collection method: clinical testing. Allele origin: germline. Not counted in ClinVar's aggregate classification.